The following is an entry in ClinVar:

NM_006136.3(CAPZA2):c.782A>G (p.Gln261Arg)

Gene: CAPZA2 (capping actin protein of muscle Z-line subunit alpha 2; plus strand). Cytogenetic location: 7q31.2.
Variant type: single nucleotide variant.
Coding change: c.782A>G on transcript NM_006136.3 (MANE Select); coding-DNA position 782, A replaced by G.
Protein change: p.Gln261Arg; replaces glutamine 261 with arginine.
Molecular consequence: missense variant.
Genome position (GRCh38, 1-based): chr7:116,917,788, A>G. VCF-style: chr7-116917788-A-G. GRCh37 (hg19) VCF-style: chr7-116557842-A-G.
Other names: short protein forms Q261R.
Identifiers: ClinVar variation 3373185 (VCV003373185.1).
Genomic context (GRCh38, chr7:116,917,788, plus strand): 5'-CTGCCATCAGTGAGAATTATCAGACAATGTCGGACACTACTTTCAAAGCCTTACGTCGAC[A>G]GTTGCCAGTTACACGCACTAAGATTGATTGGAACAAGATCCTTAGCTACAAGATTGGCAA-3'
Protein context (NP_006127.1, residues 251-271): SDTTFKALRR[Gln261Arg]LPVTRTKIDW

ClinVar aggregate classification (germline): Uncertain significance (1 of 4 stars; one submission).

Submission:

GeneDx
Classification: Uncertain significance. Last evaluated: 2024-04-29. Review status: criteria provided, single submitter. Criteria: GeneDx Variant Classification Process June 2021. Collection method: clinical testing. Allele origin: germline. Affected: yes.
Comment: In silico analysis supports that this missense variant has a deleterious effect on protein structure/function; Has not been previously published as pathogenic or benign to our knowledge